The following is an entry in ClinVar:

NM_001042432.2(CLN3):c.550T>C (p.Trp184Arg)

Gene: CLN3 (CLN3 lysosomal/endosomal transmembrane protein, battenin; minus strand). Cytogenetic location: 16p12.1.
Variant type: single nucleotide variant.
Coding change: c.550T>C on transcript NM_001042432.2 (MANE Select); coding-DNA position 550, T replaced by C.
Protein change: p.Trp184Arg; replaces tryptophan 184 with arginine.
Molecular consequence: missense variant.
Genome position (GRCh38, 1-based): chr16:28,486,474, A>G on the plus strand (T>C on the coding strand, the complement: CLN3 is on the minus strand). VCF-style: chr16-28486474-A-G. GRCh37 (hg19) VCF-style: chr16-28497795-A-G.
Other names: c.550T>C, p.Trp184Arg (NM_000086.2); c.478T>C, p.Trp160Arg (NM_001286104.2); c.250T>C, p.Trp84Arg (NM_001286105.2); c.316T>C, p.Trp106Arg (NM_001286109.2); c.388T>C, p.Trp130Arg (NM_001286110.2); short protein forms W106R, W130R, W160R, W184R, W84R.
Identifiers: ClinVar variation 1309403 (VCV001309403.2), dbSNP rs2046221058, ClinGen allele CA395345503.

ClinVar aggregate classification (germline): Uncertain significance (1 of 4 stars; one submission).

Submission:

GeneDx
Classification: Uncertain significance. Last evaluated: 2019-09-03. Review status: criteria provided, single submitter. Criteria: GeneDx Variant Classification Process June 2021. Collection method: clinical testing. Allele origin: germline. Affected: yes.
Comment: Not observed in large population cohorts (Lek et al., 2016); In silico analysis, which includes protein predictors and evolutionary conservation, supports a deleterious effect; Has not been previously published as pathogenic or benign to our knowledge